The following is an entry in ClinVar:

ClinVar aggregate classification (germline): Pathogenic (1 of 4 stars; one submission).

Conditions:
Polycystic kidney disease, adult type (PKD1). Also called: Polycystic Kidney, Autosomal Dominant; POLYCYSTIC KIDNEY DISEASE 1 WITH OR WITHOUT POLYCYSTIC LIVER DISEASE; POLYCYSTIC KIDNEY DISEASE, ADULT, TYPE I; Polycystic Kidney Disease 1, Autosomal Dominant; Polycystic kidney disease 1; Polycystic kidney disease 1, severe. Identifiers: MedGen C3149841, MONDO:0008263, OMIM 173900.

Submission:

Juno Genomics, Hangzhou Juno Genomics, Inc
Classification: Pathogenic for Polycystic kidney disease, adult type. Review status: criteria provided, single submitter. Criteria: ACMG Guidelines, 2015. Collection method: clinical testing. Allele origin: germline. Affected: yes.
Comment: Null variant in a gene where loss of function (LOF) is a known mechanism of disease.;Absent from controls (or at extremely low frequency if recessive) in Genome Aggregation Database, Exome Sequencing Project, 1000 Genomes Project, or Exome Aggregation Consortium.;Patient's phenotype or family history is highly specific for a disease with a single genetic etiology.

NM_001009944.3(PKD1):c.2684C>G (p.Ser895Ter)

Gene: PKD1 (polycystin 1, transient receptor potential channel interacting; minus strand). Cytogenetic location: 16p13.3.
Variant type: single nucleotide variant.
Coding change: c.2684C>G on transcript NM_001009944.3 (MANE Select); coding-DNA position 2684, C replaced by G.
Protein change: p.Ser895Ter; replaces serine 895 with a stop codon.
Molecular consequence: nonsense.
Genome position (GRCh38, 1-based): chr16:2,114,339, G>C on the plus strand (C>G on the coding strand, the complement: PKD1 is on the minus strand). VCF-style: chr16-2114339-G-C. GRCh37 (hg19) VCF-style: chr16-2164340-G-C.
Other names: c.2684C>G, p.Ser895Ter (NM_000296.4); short protein forms S895*.
Identifiers: ClinVar variation 3335823 (VCV003335823.2).